The following is an entry in ClinVar:

ClinVar aggregate classification (germline): Pathogenic (1 of 4 stars; one submission).

Submission:

Labcorp Genetics (formerly Invitae), Labcorp
Classification: Pathogenic. Last evaluated: 2021-04-30. Review status: criteria provided, single submitter. Criteria: Invitae Variant Classification Sherloc (09022015). Collection method: clinical testing. Allele origin: germline.
Comment: This variant is not present in population databases (ExAC no frequency). For these reasons, this variant has been classified as Pathogenic. Loss-of-function variants in MYO7A are known to be pathogenic (PMID: 8900236, 25404053). This variant has been observed in individual(s) with MYO7A-related conditions (PMID: 27068579). This sequence change creates a premature translational stop signal (p.Tyr1188*) in the MYO7A gene. It is expected to result in an absent or disrupted protein product.

Literature cited by the submitters: PubMed 8900236; PubMed 25404053; PubMed 27068579.

NM_000260.4(MYO7A):c.3564_3570del (p.Ser1187_Tyr1188insTer)

Gene: MYO7A (myosin VIIA; plus strand). Cytogenetic location: 11q13.5.
Variant type: Deletion.
Coding change: c.3564_3570del on transcript NM_000260.4 (MANE Select); coding-DNA positions 3564 to 3570, 7 bases deleted (TGCCCGG; older notation c.3564_3570delTGCCCGG).
Protein change: p.Ser1187_Tyr1188insTer.
Molecular consequence: nonsense.
Genome position (GRCh38, 1-based): chr11:77,189,404-77,189,410, TGCCCGG deleted. VCF-style (leftmost placement, unchanged base first): chr11-77189403-ATGCCCGG-A. GRCh37 (hg19) VCF-style: chr11-76900448-ATGCCCGG-A.
Other names: c.3564_3570del, p.Ser1187_Tyr1188insTer (NM_001127180.2); c.3531_3537del, p.Ser1176_Tyr1177insTer (NM_001369365.1).
Identifiers: ClinVar variation 1076995 (VCV001076995.9), dbSNP rs1955867564, ClinGen allele CA1984122469.